The following is an entry in ClinVar:

NM_020778.5(ALPK3):c.2324C>T (p.Ser775Phe)

Gene: ALPK3 (alpha kinase 3; plus strand). Cytogenetic location: 15q25.3.
Variant type: single nucleotide variant.
Coding change: c.2324C>T on transcript NM_020778.5 (MANE Select); coding-DNA position 2324, C replaced by T.
Protein change: p.Ser775Phe; replaces serine 775 with phenylalanine.
Molecular consequence: missense variant.
Genome position (GRCh38, 1-based): chr15:84,857,062, C>T. VCF-style: chr15-84857062-C-T. GRCh37 (hg19) VCF-style: chr15-85400293-C-T.
Other names: short protein forms S775F.
Identifiers: ClinVar variation 1487827 (VCV001487827.6), dbSNP rs1393483412, ClinGen allele CA393356752.

ClinVar aggregate classification (germline): Uncertain significance (1 of 4 stars; one submission).

Allele frequency attached by ClinVar (database versions not stated): gnomAD 0.00001; gnomAD exomes 0.00001; TOPMed 0.00001.
gnomAD v4.1: 19 of 1,614,092 alleles (0.0012%); highest among the groups gnomAD compares: Non-Finnish European, 0.0016%; no homozygotes.

Submission:

Labcorp Genetics (formerly Invitae), Labcorp
Classification: Uncertain significance. Last evaluated: 2022-07-17. Review status: criteria provided, single submitter. Criteria: Invitae Variant Classification Sherloc (09022015). Collection method: clinical testing. Allele origin: germline.
Comment: This variant has not been reported in the literature in individuals affected with ALPK3-related conditions. In summary, the available evidence is currently insufficient to determine the role of this variant in disease. Therefore, it has been classified as a Variant of Uncertain Significance. Algorithms developed to predict the effect of missense changes on protein structure and function are either unavailable or do not agree on the potential impact of this missense change (SIFT: "Deleterious"; PolyPhen-2: "Probably Damaging"; Align-GVGD: "Class C0"). ClinVar contains an entry for this variant (Variation ID: 1487827). This variant is not present in population databases (gnomAD no frequency). This sequence change replaces serine, which is neutral and polar, with phenylalanine, which is neutral and non-polar, at codon 977 of the ALPK3 protein (p.Ser977Phe).